The following is an entry in ClinVar:

ClinVar aggregate classification (germline): Benign/Likely benign. Review status: criteria provided, multiple submitters, no conflicts (2 of 4 stars). 2 submissions from 2 submitters: Benign (1); Likely benign (1). Last evaluated 2025-01-13.

Conditions:
Familial cancer of breast. Also called: hereditary breast carcinoma; BREAST CANCER, FAMILIAL; Hereditary breast cancer. Identifiers: Orphanet 227535, MedGen C0346153, MONDO:0016419, OMIM 114480. Disease mechanism: loss of function.

Submissions (2):

Myriad Genetics, Inc.
Classification: Benign for Familial cancer of breast. Last evaluated: 2025-01-13. Review status: criteria provided, single submitter. Criteria: Myriad Autosomal Dominant, Autosomal Recessive and X-Linked Classification Criteria (2023). Collection method: clinical testing. Allele origin: unknown.
Comment: This variant is considered benign. This variant is a silent/synonymous amino acid change and it is not expected to impact splicing.

Labcorp Genetics (formerly Invitae), Labcorp
Classification: Likely benign for Familial cancer of breast. Last evaluated: 2019-11-22. Review status: criteria provided, single submitter. Criteria: Invitae Variant Classification Sherloc (09022015). Collection method: clinical testing. Allele origin: germline.

NM_024675.4(PALB2):c.1353A>G (p.Leu451=)

Gene: PALB2 (partner and localizer of BRCA2; minus strand). Cytogenetic location: 16p12.2.
Variant type: single nucleotide variant.
Coding change: c.1353A>G on transcript NM_024675.4 (MANE Select); coding-DNA position 1353, A replaced by G.
Protein change: p.Leu451=; no amino-acid change (leucine 451 retained).
Molecular consequence: synonymous variant.
Genome position (GRCh38, 1-based): chr16:23,635,193, T>C on the plus strand (A>G on the coding strand, the complement: PALB2 is on the minus strand). VCF-style: chr16-23635193-T-C. GRCh37 (hg19) VCF-style: chr16-23646514-T-C.
Identifiers: ClinVar variation 1082991 (VCV001082991.11), dbSNP rs1966974752, ClinGen allele CA494461507.